The following is an entry in ClinVar:

ClinVar aggregate classification (germline): Uncertain significance. Review status: criteria provided, multiple submitters, no conflicts (2 of 4 stars). 3 submissions from 3 submitters: Uncertain significance (3). Last evaluated 2026-03-17.

Conditions:
IFT172-related disorder. Also called: IFT172-related condition; IFT172-related disorders.
Short-rib thoracic dysplasia 10 with or without polydactyly (SRTD10). Identifiers: Orphanet 474, MedGen C3810175, MONDO:0014284, OMIM 615630.
Retinitis pigmentosa 71 (RP71). Identifiers: Orphanet 791, MedGen C4225342, MONDO:0014618, OMIM 616394.

Allele frequency attached by ClinVar (database versions not stated): gnomAD 0.00001; gnomAD exomes 0.00002 and 0.00001; ExAC 0.00002.
gnomAD v4.1: 8 of 1,614,132 alleles (0.0005%); highest among the groups gnomAD compares: Admixed American, 0.01%; no homozygotes.

Submissions (3):

PreventionGenetics, part of Exact Sciences
Classification: Uncertain significance for IFT172-related condition. Last evaluated: 2026-03-17. Review status: criteria provided, single submitter. Criteria: ACMG Guidelines, 2015. Collection method: clinical testing. Allele origin: germline.
Comment: The IFT172 c.4759G>A variant is predicted to result in the amino acid substitution p.Val1587Ile. To our knowledge, this variant has not been reported in the literature. This variant is reported in 0.012% of alleles in individuals of Latino descent in gnomAD. At this time, the clinical significance of this variant is uncertain due to the absence of conclusive functional and genetic evidence.

Labcorp Genetics (formerly Invitae), Labcorp
Classification: Uncertain significance for Retinitis pigmentosa 71; Short-rib thoracic dysplasia 10 with or without polydactyly. Last evaluated: 2022-07-29. Review status: criteria provided, single submitter. Criteria: Invitae Variant Classification Sherloc (09022015). Collection method: clinical testing. Allele origin: germline.
Comment: This sequence change replaces valine, which is neutral and non-polar, with isoleucine, which is neutral and non-polar, at codon 1587 of the IFT172 protein (p.Val1587Ile). This variant is present in population databases (rs774941853, gnomAD 0.01%). This variant has not been reported in the literature in individuals affected with IFT172-related conditions. Algorithms developed to predict the effect of missense changes on protein structure and function (SIFT, PolyPhen-2, Align-GVGD) all suggest that this variant is likely to be tolerated. Algorithms developed to predict the effect of sequence changes on RNA splicing suggest that this variant may disrupt the consensus splice site. In summary, the available evidence is currently insufficient to determine the role of this variant in disease. Therefore, it has been classified as a Variant of Uncertain Significance.

GeneDx
Classification: Uncertain significance. Last evaluated: 2022-02-01. Review status: criteria provided, single submitter. Criteria: GeneDx Variant Classification Process June 2021. Collection method: clinical testing. Allele origin: germline. Affected: yes.
Comment: Not observed at significant frequency in large population cohorts (gnomAD); In silico analysis supports that this missense variant does not alter protein structure/function; Has not been previously published as pathogenic or benign to our knowledge

NM_015662.3(IFT172):c.4759G>A (p.Val1587Ile)

Genes: IFT172 (intraflagellar transport 172; minus strand), KRTCAP3 (keratinocyte associated protein 3; plus strand). Cytogenetic location: 2p23.3.
Variant type: single nucleotide variant.
Coding change: c.4759G>A on transcript NM_015662.3 (MANE Select); coding-DNA position 4759, G replaced by A.
Protein change: p.Val1587Ile; replaces valine 1587 with isoleucine.
Molecular consequence: missense variant. On other transcripts: intron variant (1).
Genome position (GRCh38, 1-based): chr2:27,445,985, C>T on the plus strand (G>A on the coding strand, the complement: IFT172 is on the minus strand). VCF-style: chr2-27445985-C-T. GRCh37 (hg19) VCF-style: chr2-27668852-C-T.
Other names: c.4693G>A, p.Val1565Ile (NM_001410739.1); c.*6-316C>T (NM_001168364.2); short protein forms V1587I, V1565I.
Identifiers: ClinVar variation 1699895 (VCV001699895.5), dbSNP rs774941853, ClinGen allele CA1579483.